The following is an entry in ClinVar:

ClinVar aggregate classification (germline): Uncertain significance. Review status: criteria provided, multiple submitters, no conflicts (2 of 4 stars). 2 submissions from 2 submitters: Uncertain significance (2). Last evaluated 2023-04-23.

Conditions:
Neurofibromatosis, type 1 (NF1). Also called: VON RECKLINGHAUSEN DISEASE; Neurofibromatosis, type I; NEUROFIBROMATOSIS, TYPE I, SOMATIC; Peripheral type neurofibromatosis. Identifiers: Orphanet 636, MedGen C0027831, MONDO:0018975, OMIM 162200. Disease mechanism: loss of function.
Cardiovascular phenotype. Identifiers: MedGen CN230736.
Hereditary cancer-predisposing syndrome. Also called: Hereditary Cancer Syndrome; Tumor predisposition; Neoplastic Syndromes, Hereditary; Hereditary neoplastic syndrome. Identifiers: Orphanet 140162, MedGen C0027672, MeSH D009386, MONDO:0015356.

Submissions (2):

Ambry Genetics
Classification: Uncertain significance for Cardiovascular phenotype; Hereditary cancer-predisposing syndrome. Last evaluated: 2023-04-23. Review status: criteria provided, single submitter. Criteria: Ambry Variant Classification Scheme 2023. Collection method: clinical testing. Allele origin: germline.
Comment: The p.A1952G variant (also known as c.5855C>G), located in coding exon 39 of the NF1 gene, results from a C to G substitution at nucleotide position 5855. The alanine at codon 1952 is replaced by glycine, an amino acid with similar properties. This amino acid position is conserved. In addition, the in silico prediction for this alteration is inconclusive. Since supporting evidence is limited at this time, the clinical significance of this alteration remains unclear.

Labcorp Genetics (formerly Invitae), Labcorp
Classification: Uncertain significance for Neurofibromatosis, type 1. Last evaluated: 2022-10-31. Review status: criteria provided, single submitter. Criteria: Invitae Variant Classification Sherloc (09022015). Collection method: clinical testing. Allele origin: germline.
Comment: This sequence change replaces alanine, which is neutral and non-polar, with glycine, which is neutral and non-polar, at codon 1952 of the NF1 protein (p.Ala1952Gly). This variant is not present in population databases (gnomAD no frequency). This variant has not been reported in the literature in individuals affected with NF1-related conditions. ClinVar contains an entry for this variant (Variation ID: 650651). Advanced modeling of protein sequence and biophysical properties (such as structural, functional, and spatial information, amino acid conservation, physicochemical variation, residue mobility, and thermodynamic stability) performed at Invitae indicates that this missense variant is not expected to disrupt NF1 protein function. In summary, the available evidence is currently insufficient to determine the role of this variant in disease. Therefore, it has been classified as a Variant of Uncertain Significance.

NM_001042492.3(NF1):c.5918C>G (p.Ala1973Gly)

Gene: NF1 (neurofibromin 1; plus strand). Cytogenetic location: 17q11.2.
Variant type: single nucleotide variant.
Coding change: c.5918C>G on transcript NM_001042492.3 (MANE Select); coding-DNA position 5918, C replaced by G.
Protein change: p.Ala1973Gly; replaces alanine 1973 with glycine.
Molecular consequence: missense variant.
Genome position (GRCh38, 1-based): chr17:31,334,943, C>G. VCF-style: chr17-31334943-C-G. GRCh37 (hg19) VCF-style: chr17-29661961-C-G.
Other names: c.5855C>G, p.Ala1952Gly (NM_000267.4); short protein forms A1952G, A1973G.
Identifiers: ClinVar variation 650651 (VCV000650651.3), dbSNP rs1597840153, ClinGen allele CA399010787.